The following is an entry in ClinVar:

ClinVar aggregate classification (germline): Uncertain significance. Review status: criteria provided, multiple submitters, no conflicts (2 of 4 stars). 2 submissions from 2 submitters: Uncertain significance (2). Last evaluated 2025-02-21.

Conditions:
Breast-ovarian cancer, familial, susceptibility to, 4. Identifiers: Orphanet 145, MedGen C3280345, MONDO:0013669, OMIM 614291.

Allele frequency attached by ClinVar (database versions not stated): TOPMed below 0.00001.

Submissions (2):

GeneDx
Classification: Uncertain significance. Last evaluated: 2025-02-21. Review status: criteria provided, single submitter. Criteria: GeneDx Variant Classification Process June 2021. Collection method: clinical testing. Allele origin: germline. Affected: yes.
Comment: Not observed at significant frequency in large population cohorts (gnomAD); In silico analysis supports that this missense variant has a deleterious effect on protein structure/function; Has not been previously published as pathogenic or benign to our knowledge; This variant is associated with the following publications: (PMID: 21111057)

Labcorp Genetics (formerly Invitae), Labcorp
Classification: Uncertain significance for Breast-ovarian cancer, familial, susceptibility to, 4. Last evaluated: 2024-04-24. Review status: criteria provided, single submitter. Criteria: Invitae Variant Classification Sherloc (09022015). Collection method: clinical testing. Allele origin: germline.
Comment: This sequence change replaces leucine, which is neutral and non-polar, with proline, which is neutral and non-polar, at codon 50 of the RAD51D protein (p.Leu50Pro). This variant is not present in population databases (gnomAD no frequency). This variant has not been reported in the literature in individuals affected with RAD51D-related conditions. Advanced modeling of protein sequence and biophysical properties (such as structural, functional, and spatial information, amino acid conservation, physicochemical variation, residue mobility, and thermodynamic stability) performed at Invitae indicates that this missense variant is expected to disrupt RAD51D protein function with a positive predictive value of 80%. In summary, the available evidence is currently insufficient to determine the role of this variant in disease. Therefore, it has been classified as a Variant of Uncertain Significance.

NM_002878.4(RAD51D):c.149T>C (p.Leu50Pro)

Genes: RAD51L3-RFFL (RAD51L3-RFFL readthrough; minus strand), RAD51D (RAD51 paralog D; minus strand). Cytogenetic location: 17q12.
Variant type: single nucleotide variant.
Coding change: c.149T>C on transcript NM_002878.4 (MANE Select); coding-DNA position 149, T replaced by C.
Protein change: p.Leu50Pro; replaces leucine 50 with proline.
Molecular consequence: missense variant. On other transcripts: intron variant (2).
Genome position (GRCh38, 1-based): chr17:35,118,615, A>G on the plus strand (T>C on the coding strand, the complement: RAD51D is on the minus strand). VCF-style: chr17-35118615-A-G. GRCh37 (hg19) VCF-style: chr17-33445634-A-G.
Other names: c.144+496T>C (NM_133629.3, NM_001142571.2); short protein forms L50P.
Identifiers: ClinVar variation 2840178 (VCV002840178.4), dbSNP rs2091778819, ClinGen allele CA399091618.